The following is an entry in ClinVar:

NM_000553.6(WRN):c.3418T>G (p.Ser1140Ala)

Gene: WRN (WRN RecQ like helicase; plus strand). Cytogenetic location: 8p12.
Variant type: single nucleotide variant.
Coding change: c.3418T>G on transcript NM_000553.6 (MANE Select); coding-DNA position 3418, T replaced by G.
Protein change: p.Ser1140Ala; replaces serine 1140 with alanine.
Molecular consequence: missense variant.
Genome position (GRCh38, 1-based): chr8:31,147,087, T>G. VCF-style: chr8-31147087-T-G. GRCh37 (hg19) VCF-style: chr8-31004603-T-G.
Other names: short protein forms S1140A.
Identifiers: ClinVar variation 458453 (VCV000458453.7), dbSNP rs1554533914, ClinGen allele CA370925338.
Genomic context (GRCh38, chr8:31,147,087, plus strand): 5'-TATTTATTTTCTTTTAAATATTTTAGTATCATGGTACAGTCACCAGAAAAAGCTTACAGT[T>G]CCTCACAGCCTGTTATTTCGGCACAAGAGCAGGAGACTCAGGTAAGGCTTTTGTAAAAAG-3'
Protein context (NP_000544.2, residues 1130-1150): MVQSPEKAYS[Ser1140Ala]SQPVISAQEQ

ClinVar aggregate classification (germline): Uncertain significance. Review status: criteria provided, multiple submitters, no conflicts (2 of 4 stars). 2 submissions from 2 submitters: Uncertain significance (2). Last evaluated 2025-11-10.

Conditions:
Inborn genetic diseases. Identifiers: MedGen C0950123, MeSH D030342.
Werner syndrome (WRN). Identifiers: Orphanet 902, MedGen C0043119, MONDO:0010196, OMIM 277700.

Allele frequency attached by ClinVar (database versions not stated): gnomAD exomes 0.00001.
gnomAD v4.1: 7 of 1,613,844 alleles (0.00043%); highest among the groups gnomAD compares: Non-Finnish European, 0.00059%; no homozygotes.

Submissions (2):

Labcorp Genetics (formerly Invitae), Labcorp
Classification: Uncertain significance for Werner syndrome. Last evaluated: 2025-11-10. Review status: criteria provided, single submitter. Criteria: Invitae Variant Classification Sherloc (09022015). Collection method: clinical testing. Allele origin: germline.
Comment: This sequence change replaces serine, which is neutral and polar, with alanine, which is neutral and non-polar, at codon 1140 of the WRN protein (p.Ser1140Ala). This variant is not present in population databases (gnomAD no frequency). This variant has not been reported in the literature in individuals affected with WRN-related conditions. ClinVar contains an entry for this variant (Variation ID: 458453). An algorithm developed to predict the effect of missense changes on protein structure and function outputs the following: PolyPhen-2: "Benign". The alanine amino acid residue is found in multiple mammalian species, which suggests that this missense change does not adversely affect protein function. In summary, the available evidence is currently insufficient to determine the role of this variant in disease. Therefore, it has been classified as a Variant of Uncertain Significance.

Ambry Genetics
Classification: Uncertain significance for Inborn genetic diseases. Last evaluated: 2022-03-29. Review status: criteria provided, single submitter. Criteria: Ambry Variant Classification Scheme 2023. Collection method: clinical testing. Allele origin: germline.